The following is an entry in ClinVar:

NM_080473.5(GATA5):c.161_162delinsCA (p.Gln54Pro)

Gene: GATA5 (GATA binding protein 5; minus strand). Cytogenetic location: 20q13.33.
Variant type: Indel.
Coding change: c.161_162delinsCA on transcript NM_080473.5 (MANE Select); coding-DNA positions 161 to 162, AG replaced by CA.
Protein change: p.Gln54Pro; replaces glutamine 54 with proline.
Molecular consequence: missense variant.
Genome position (GRCh38, 1-based): chr20:62,475,360-62,475,361, CT replaced by TG on the plus strand (AG replaced by CA on the coding strand, the reverse complement: GATA5 is on the minus strand). VCF-style: chr20-62475360-CT-TG. GRCh37 (hg19) VCF-style: chr20-61050416-CT-TG.
Other names: short protein forms Q54P.
Identifiers: ClinVar variation 1721696 (VCV001721696.5), dbSNP rs2516447363, ClinGen allele CA2580098675.

ClinVar aggregate classification (germline): Uncertain significance (1 of 4 stars; one submission).

Submission:

Labcorp Genetics (formerly Invitae), Labcorp
Classification: Uncertain significance. Last evaluated: 2022-10-16. Review status: criteria provided, single submitter. Criteria: Invitae Variant Classification Sherloc (09022015). Collection method: clinical testing. Allele origin: germline.
Comment: This sequence change replaces glutamine, which is neutral and polar, with proline, which is neutral and non-polar, at codon 54 of the GATA5 protein (p.Gln54Pro). In summary, the available evidence is currently insufficient to determine the role of this variant in disease. Therefore, it has been classified as a Variant of Uncertain Significance. Algorithms developed to predict the effect of missense changes on protein structure and function are either unavailable or do not agree on the potential impact of this missense change (SIFT: "Not Available"; PolyPhen-2: "Possibly Damaging"; Align-GVGD: "Not Available"). This variant has not been reported in the literature in individuals affected with GATA5-related conditions. This variant is present in population databases (no rsID available, gnomAD 3%).